The following is an entry in ClinVar:

ClinVar aggregate classification (germline): Likely benign (1 of 4 stars; one submission).

Submission:

GeneDx
Classification: Likely benign. Last evaluated: 2019-09-30. Review status: criteria provided, single submitter. Criteria: GeneDx Variant Classification Process June 2021. Collection method: clinical testing. Allele origin: germline. Affected: yes.
Comment: See Variant Classification Assertion Criteria.

NM_174936.4(PCSK9):c.52_53insCGC (p.Leu17_Leu18insPro)

Gene: PCSK9 (proprotein convertase subtilisin/kexin type 9; plus strand). Cytogenetic location: 1p32.3.
Variant type: Insertion.
Coding change: c.52_53insCGC on transcript NM_174936.4 (MANE Select); coding-DNA positions 52 to 53, CGC inserted.
Protein change: p.Leu17_Leu18insPro.
Molecular consequence: inframe insertion.
Genome position: GRCh38 VCF-style: chr1-55039887-T-TGCC. GRCh37 (hg19) VCF-style: chr1-55505560-T-TGCC.
Identifiers: ClinVar variation 1683793 (VCV001683793.2), dbSNP rs745372726, ClinGen allele CA2573132427.